The following is an entry in ClinVar:

ClinVar aggregate classification (germline): Uncertain significance. Review status: criteria provided, multiple submitters, no conflicts (2 of 4 stars). 3 submissions from 3 submitters: Uncertain significance (3). Last evaluated 2025-10-10.

Conditions:
Pitt-Hopkins-like syndrome 2 (PTHSL2). Identifiers: Orphanet 221150, Orphanet 600663, MedGen C3280479, MONDO:0013690, OMIM 614325.
Chromosome 2p16.3 deletion syndrome. Identifiers: MedGen C3808494, MONDO:0013696, OMIM 614332.

Allele frequency attached by ClinVar (database versions not stated): gnomAD 0.00003; TOPMed 0.00005.
gnomAD v4.1: 48 of 1,604,860 alleles (0.003%); highest among the groups gnomAD compares: Non-Finnish European, 0.0039%; no homozygotes.

Submissions (3):

Labcorp Genetics (formerly Invitae), Labcorp
Classification: Uncertain significance for Pitt-Hopkins-like syndrome 2. Last evaluated: 2025-10-10. Review status: criteria provided, single submitter. Criteria: Invitae Variant Classification Sherloc (09022015). Collection method: clinical testing. Allele origin: germline.
Comment: This sequence change replaces alanine, which is neutral and non-polar, with valine, which is neutral and non-polar, at codon 113 of the NRXN1 protein (p.Ala113Val). This variant is present in population databases (rs201542547, gnomAD 0.004%). This variant has not been reported in the literature in individuals affected with NRXN1-related conditions. ClinVar contains an entry for this variant (Variation ID: 436039). An algorithm developed to predict the effect of missense changes on protein structure and function (PolyPhen-2) suggests that this variant is likely to be tolerated. In summary, the available evidence is currently insufficient to determine the role of this variant in disease. Therefore, it has been classified as a Variant of Uncertain Significance.

Fulgent Genetics
Classification: Uncertain significance for Pitt-Hopkins-like syndrome 2; Chromosome 2p16.3 deletion syndrome. Last evaluated: 2021-12-13. Review status: criteria provided, single submitter. Criteria: ACMG Guidelines, 2015. Collection method: clinical testing. Allele origin: unknown.

Genetic Services Laboratory, University of Chicago
Classification: Uncertain significance. Last evaluated: 2016-03-04. Review status: criteria provided, single submitter. Criteria: ACMG Guidelines, 2015. Collection method: clinical testing. Allele origin: germline. Affected: no.

NM_001330078.2(NRXN1):c.338C>T (p.Ala113Val)

Gene: NRXN1 (neurexin 1; minus strand). Cytogenetic location: 2p16.3.
Variant type: single nucleotide variant.
Coding change: c.338C>T on transcript NM_001330078.2 (MANE Select); coding-DNA position 338, C replaced by T.
Protein change: p.Ala113Val; replaces alanine 113 with valine.
Molecular consequence: missense variant.
Genome position (GRCh38, 1-based): chr2:51,027,936, G>A on the plus strand (C>T on the coding strand, the complement: NRXN1 is on the minus strand). VCF-style: chr2-51027936-G-A. GRCh37 (hg19) VCF-style: chr2-51255074-G-A.
Other names: c.338C>T, p.Ala113Val (NM_001135659.3, NM_001330077.2, NM_001330079.2 and 15 more transcripts); short protein forms A113V.
Identifiers: ClinVar variation 436039 (VCV000436039.15), dbSNP rs201542547, ClinGen allele CA48054916.